The following is an entry in ClinVar:

NM_016247.4(IMPG2):c.1223C>T (p.Thr408Met)

Gene: IMPG2 (interphotoreceptor matrix proteoglycan 2; minus strand). Cytogenetic location: 3q12.3.
Variant type: single nucleotide variant.
Coding change: c.1223C>T on transcript NM_016247.4 (MANE Select); coding-DNA position 1223, C replaced by T.
Protein change: p.Thr408Met; replaces threonine 408 with methionine.
Molecular consequence: missense variant.
Genome position (GRCh38, 1-based): chr3:101,253,712, G>A on the plus strand (C>T on the coding strand, the complement: IMPG2 is on the minus strand). VCF-style: chr3-101253712-G-A. GRCh37 (hg19) VCF-style: chr3-100972556-G-A.
Other names: short protein forms T408M.
Identifiers: ClinVar variation 342352 (VCV000342352.41), dbSNP rs148056371, ClinGen allele CA2519247.

ClinVar aggregate classification (germline): Conflicting classifications of pathogenicity. Review status: criteria provided, conflicting classifications (1 of 4 stars). 7 submissions from 7 submitters: Uncertain significance (2); Benign (1); Likely benign (3). 1 of the submissions does not count toward it. Last evaluated 2025-11-23.

Conditions:
IMPG2-related disorder. Also called: IMPG2-related condition.
Retinitis pigmentosa (RP). Identifiers: Orphanet 791, MedGen C0035334, MeSH D012174, MONDO:0019200, OMIM 268000. Inheritance: Autosomal dominant, autosomal recessive and X linked inheritance.

Allele frequency attached by ClinVar (database versions not stated): gnomAD exomes 0.00014 and 0.00057; ESP Exome Variant Server 0.00015; gnomAD 0.00032 and 0.00036; TOPMed 0.00042; ExAC 0.00048; 1000 Genomes Project 0.00200; 1000 Genomes Project 30x 0.00265.
gnomAD v4.1: 257 of 1,611,032 alleles (0.016%); highest among the groups gnomAD compares: Admixed American, 0.33%; no homozygotes.

Submissions (7):

Labcorp Genetics (formerly Invitae), Labcorp
Classification: Likely benign. Last evaluated: 2025-11-23. Review status: criteria provided, single submitter. Criteria: Invitae Variant Classification Sherloc (09022015). Collection method: clinical testing. Allele origin: germline.

Blueprint Genetics
Classification: Likely benign. Last evaluated: 2024-07-15. Review status: criteria provided, single submitter. Criteria: ACMG Guidelines, 2015. Collection method: clinical testing. Allele origin: germline.

CeGaT Center for Human Genetics Tuebingen
Classification: Likely benign. Last evaluated: 2024-07-01. Review status: criteria provided, single submitter. Criteria: CeGaT Center For Human Genetics Tuebingen Variant Classification Criteria Version 2. Collection method: clinical testing. Allele origin: germline. Affected: yes. Observed: 1 variant allele.
Comment: IMPG2: BP4

ARUP Laboratories, Molecular Genetics and Genomics, ARUP Laboratories
Classification: Uncertain significance. Last evaluated: 2019-05-05. Review status: criteria provided, single submitter. Criteria: ARUP Molecular Germline Variant Investigation Process. Collection method: clinical testing. Allele origin: germline.
Comment: The IMPG2 c.1223C>T; p.Thr408Met variant (rs148056371), to our knowledge, is not reported in the medical literature or gene-specific databases. The variant is reported in the ClinVar database (Variation ID: 342352) and in the Latino population with an allele frequency of 0.4% (130/35022 alleles) in the Genome Aggregation Database. The amino acid at this position is moderately conserved and computational analyses (SIFT: Tolerated, PolyPhen-2: Possibly Damaging) predict conflicting effects of this variant on protein structure/function. Due to limited information, the clinical significance of the variant is uncertain at this time.

Knight Diagnostic Laboratories, Oregon Health and Sciences University
Classification: Benign. Last evaluated: 2019-03-18. Review status: criteria provided, single submitter. Criteria: ACMG Guidelines, 2015. Collection method: clinical testing. Allele origin: germline. Observed: 1 variant allele.

Illumina Laboratory Services, Illumina
Classification: Uncertain significance for Retinitis pigmentosa. Last evaluated: 2018-01-13. Review status: criteria provided, single submitter. Criteria: ICSL Variant Classification Criteria 13 December 2019. Collection method: clinical testing. Allele origin: germline.

PreventionGenetics, part of Exact Sciences
Classification: Likely benign for IMPG2-related condition. Last evaluated: 2024-09-16. Review status: no assertion criteria provided. Collection method: clinical testing. Allele origin: germline. Not counted in ClinVar's aggregate classification.
Comment: This variant is classified as likely benign based on ACMG/AMP sequence variant interpretation guidelines (Richards et al. 2015 PMID: 25741868, with internal and published modifications).